The following is an entry in ClinVar:

ClinVar aggregate classification (germline): Uncertain significance. Review status: criteria provided, multiple submitters, no conflicts (2 of 4 stars). 3 submissions from 3 submitters: Uncertain significance (3). Last evaluated 2024-06-03.

Conditions:
Inborn genetic diseases. Identifiers: MedGen C0950123, MeSH D030342.
ALG12-congenital disorder of glycosylation (CDG1G). Also called: CDG Ig; Congenital disorder of glycosylation, type Ig; ALG12-CDG. Identifiers: Orphanet 79324, MedGen C2931001, MONDO:0011783, OMIM 607143.

Allele frequency attached by ClinVar (database versions not stated): TOPMed 0.00006; ESP Exome Variant Server 0.00008.
gnomAD v4.1: 288 of 1,614,124 alleles (0.018%); highest among the groups gnomAD compares: Non-Finnish European, 0.023%; 1 homozygote.

Submissions (3):

Ambry Genetics
Classification: Uncertain significance for Inborn genetic diseases. Last evaluated: 2024-06-03. Review status: criteria provided, single submitter. Criteria: Ambry Variant Classification Scheme 2023. Collection method: clinical testing. Allele origin: germline.

Labcorp Genetics (formerly Invitae), Labcorp
Classification: Uncertain significance for ALG12-congenital disorder of glycosylation. Last evaluated: 2022-07-25. Review status: criteria provided, single submitter. Criteria: Invitae Variant Classification Sherloc (09022015). Collection method: clinical testing. Allele origin: germline.
Comment: This sequence change replaces asparagine, which is neutral and polar, with lysine, which is basic and polar, at codon 254 of the ALG12 protein (p.Asn254Lys). This variant is present in population databases (rs143204935, gnomAD 0.01%). This variant has not been reported in the literature in individuals affected with ALG12-related conditions. ClinVar contains an entry for this variant (Variation ID: 342048). Algorithms developed to predict the effect of missense changes on protein structure and function (SIFT, PolyPhen-2, Align-GVGD) all suggest that this variant is likely to be tolerated. In summary, the available evidence is currently insufficient to determine the role of this variant in disease. Therefore, it has been classified as a Variant of Uncertain Significance.

Illumina Laboratory Services, Illumina
Classification: Uncertain significance for ALG12-congenital disorder of glycosylation. Last evaluated: 2018-01-13. Review status: criteria provided, single submitter. Criteria: ICSL Variant Classification Criteria 13 December 2019. Collection method: clinical testing. Allele origin: germline.

NM_024105.4(ALG12):c.762C>A (p.Asn254Lys)

Gene: ALG12 (ALG12 alpha-1,6-mannosyltransferase; minus strand). Cytogenetic location: 22q13.33.
Variant type: single nucleotide variant.
Coding change: c.762C>A on transcript NM_024105.4 (MANE Select); coding-DNA position 762, C replaced by A.
Protein change: p.Asn254Lys; replaces asparagine 254 with lysine.
Molecular consequence: missense variant.
Genome position (GRCh38, 1-based): chr22:49,909,250, G>T on the plus strand (C>A on the coding strand, the complement: ALG12 is on the minus strand). VCF-style: chr22-49909250-G-T. GRCh37 (hg19) VCF-style: chr22-50302898-G-T.
Other names: short protein forms N254K.
Identifiers: ClinVar variation 342048 (VCV000342048.8), dbSNP rs143204935, ClinGen allele CA10300490.
Genomic context (GRCh38, chr22:49,909,250, plus strand): 5'-AGATGTGGCTGCAGGTCCCACCCATCGCCCTCCTGCACGGACACTGAAGGATACCCCCCA[G>T]TTGGAGCTTTTGTTCAGGACAGTGTTGTACCAAAGCACCTTTCCTTCCGGCCAAGTGAGC-3'
Protein context (NP_077010.1, residues 244-264): WYNTVLNKSS[Asn254Lys]WGTSPLLWYF